The following is an entry in ClinVar:

NM_138576.4(BCL11B):c.1272_1278del (p.Lys425fs)

Gene: BCL11B (BCL11 transcription factor B; minus strand). Cytogenetic location: 14q32.2.
Variant type: Deletion.
Coding change: c.1272_1278del on transcript NM_138576.4 (MANE Select); coding-DNA positions 1272 to 1278, 7 bases deleted (CAAGAGC; older notation c.1272_1278delCAAGAGC).
Protein change: p.Lys425fs; shifts the reading frame from lysine 425.
Molecular consequence: frameshift variant.
Genome position (GRCh38, 1-based): chr14:99,175,558-99,175,564, GCTCTTG deleted on the plus strand (CAAGAGC on the coding strand, the reverse complement: BCL11B is on the minus strand); deleting any 7 consecutive bases within chr14:99,175,558-99,175,567 gives the same sequence; the c. name uses the placement nearest the transcript's 3' end. VCF-style (leftmost placement, unchanged base first): chr14-99175557-TGCTCTTG-T. GRCh37 (hg19) VCF-style: chr14-99641894-TGCTCTTG-T.
Other names: c.1269_1275del, p.Lys424fs (NM_001282237.2); c.1056_1062del, p.Lys353fs (NM_001282238.2); c.1059_1065del, p.Lys354fs (NM_022898.3); short protein forms K353fs, K354fs, K424fs, K425fs.
Identifiers: ClinVar variation 1698957 (VCV001698957.3), dbSNP rs2139759372, ClinGen allele CA2573131716.

ClinVar aggregate classification (germline): Pathogenic (1 of 4 stars; one submission).

Conditions:
Intellectual developmental disorder with speech delay, dysmorphic facies, and t-cell abnormalities. Also called: BCL11B-related BAFopathy. Identifiers: Orphanet 662829, MedGen C4748152, MONDO:0060763, OMIM 618092.

Submission:

Victorian Clinical Genetics Services, Murdoch Childrens Research Institute
Classification: Pathogenic for Intellectual developmental disorder with speech delay, dysmorphic facies, and t-cell abnormalities. Last evaluated: 2022-02-02. Review status: criteria provided, single submitter. Criteria: ACMG Guidelines, 2015. Collection method: clinical testing. Allele origin: germline. Inheritance: Autosomal dominant inheritance.
Comment: Based on the classification scheme VCGS_Germline_v1.3.4, this variant is classified as Pathogenic. Following criteria are met: 0105 - The mechanism of disease for this gene is not clearly established. Both haploinsufficiency due to truncating variants and dominant-negative due to missense variants have been postulated, with the latter resulting in a more severe phenotype (PMID:27959755, 29985992). (I) 0107 - This gene is associated with autosomal dominant disease. (I) 0204 - Variant is predicted to result in a truncated protein (premature termination codon is NOT located at least 54 nucleotides upstream of the final exon-exon junction) with at least 1/3 of the protein sequence affected. (SP) 0251 - This variant is heterozygous. (I) 0301 - Variant is absent from gnomAD (both v2 and v3). (SP) 0701 - Other downstream-truncating variants comparable to the one identified in this case have very strong previous evidence for pathogenicity (ClinVar, DECIPHER). (SP) 0807 - This variant has no previous evidence of pathogenicity. (I) 0905 - No published segregation evidence has been identified for this variant. (I) 1007 - No published functional evidence has been identified for this variant. (I) 1208 - Inheritance information for this variant is not currently available in this individual. (I) Legend: (SP) - Supporting pathogenic, (I) - Information, (SB) - Supporting benign

Literature cited by the submitters: PubMed 27959755; PubMed 29985992.